The following is an entry in ClinVar:

ClinVar aggregate classification (germline): Uncertain significance. Review status: criteria provided, multiple submitters, no conflicts (2 of 4 stars). 2 submissions from 2 submitters: Uncertain significance (2). Last evaluated 2024-10-07.

Conditions:
CHARGE syndrome (CHARGE). Also called: Hittner Hirsch Kreh syndrome; CHARGE ASSOCIATION--COLOBOMA, HEART ANOMALY, CHOANAL ATRESIA, RETARDATION, GENITAL AND EAR ANOMALIES; Coloboma, heart anomaly, choanal atresia, retardation, genital and ear anomalies; CHARGE association; Hall-Hittner syndrome. Identifiers: Orphanet 138, MedGen C0265354, MONDO:0008965.
Inborn genetic diseases. Identifiers: MedGen C0950123, MeSH D030342.

Allele frequency attached by ClinVar (database versions not stated): ExAC 0.00005.
gnomAD v4.1: 15 of 1,528,622 alleles (0.00098%); highest among the groups gnomAD compares: Non-Finnish European, 0.0013%; no homozygotes.

Submissions (2):

Ambry Genetics
Classification: Uncertain significance for Inborn genetic diseases. Last evaluated: 2024-10-07. Review status: criteria provided, single submitter. Criteria: Ambry Variant Classification Scheme 2023. Collection method: clinical testing. Allele origin: germline.

Labcorp Genetics (formerly Invitae), Labcorp
Classification: Uncertain significance for CHARGE syndrome. Last evaluated: 2023-07-12. Review status: criteria provided, single submitter. Criteria: Invitae Variant Classification Sherloc (09022015). Collection method: clinical testing. Allele origin: germline.
Comment: In summary, the available evidence is currently insufficient to determine the role of this variant in disease. Therefore, it has been classified as a Variant of Uncertain Significance. Advanced modeling of protein sequence and biophysical properties (such as structural, functional, and spatial information, amino acid conservation, physicochemical variation, residue mobility, and thermodynamic stability) performed at Invitae indicates that this missense variant is expected to disrupt CHD7 protein function. This variant has not been reported in the literature in individuals affected with CHD7-related conditions. This variant is present in population databases (rs774809528, gnomAD 0.002%). This sequence change replaces aspartic acid, which is acidic and polar, with glycine, which is neutral and non-polar, at codon 1462 of the CHD7 protein (p.Asp1462Gly).

NM_017780.4(CHD7):c.4385A>G (p.Asp1462Gly)

Gene: CHD7 (chromodomain helicase DNA binding protein 7; plus strand). Cytogenetic location: 8q12.2.
Variant type: single nucleotide variant.
Coding change: c.4385A>G on transcript NM_017780.4 (MANE Select); coding-DNA position 4385, A replaced by G.
Protein change: p.Asp1462Gly; replaces aspartic acid 1462 with glycine.
Molecular consequence: missense variant. On other transcripts: intron variant (1).
Genome position (GRCh38, 1-based): chr8:60,838,107, A>G. VCF-style: chr8-60838107-A-G. GRCh37 (hg19) VCF-style: chr8-61750666-A-G.
Other names: c.4385A>G (NM_017780.3); c.1717-24122A>G (NM_001316690.1); short protein forms D1462G.
Identifiers: ClinVar variation 2743042 (VCV002743042.4), dbSNP rs774809528, ClinGen allele CA4760124.